The following is an entry in ClinVar:

ClinVar aggregate classification (germline): Uncertain significance. Review status: criteria provided, multiple submitters, no conflicts (2 of 4 stars). 2 submissions from 2 submitters: Uncertain significance (2). Last evaluated 2026-01-26.

Submissions (2):

Women's Health and Genetics/Laboratory Corporation of America, LabCorp
Classification: Uncertain significance. Last evaluated: 2026-01-26. Review status: criteria provided, single submitter. Criteria: LabCorp Variant Classification Summary - May 2015. Collection method: clinical testing. Allele origin: germline.
Comment: Variant summary: PLAU c.1212C>G (p.Asp404Glu) results in a conservative amino acid change in the encoded protein sequence. Algorithms developed to predict the effect of missense changes on protein structure and function are either unavailable or do not agree on the potential impact of this missense change. The variant was absent in 250758 control chromosomes. The available data on variant occurrences in the general population are insufficient to allow any conclusion about variant significance. To our knowledge, no occurrence of c.1212C>G in individuals affected with PLAU-related conditions and no experimental evidence demonstrating its impact on protein function have been reported. ClinVar contains an entry for this variant (Variation ID: 3379975). Based on the evidence outlined above, the variant was classified as uncertain significance.

Mayo Clinic Laboratories, Mayo Clinic
Classification: Uncertain significance. Last evaluated: 2024-05-01. Review status: criteria provided, single submitter. Criteria: ACMG Guidelines, 2015. Collection method: clinical testing. Allele origin: germline. Observed: 1 variant allele.
Comment: BP4, PM2_moderate

NM_002658.6(PLAU):c.1212C>G (p.Asp404Glu)

Genes: C10orf55 (chromosome 10 putative open reading frame 55; minus strand), PLAU (plasminogen activator, urokinase; plus strand). Cytogenetic location: 10q22.2.
Variant type: single nucleotide variant.
Coding change: c.1212C>G on transcript NM_002658.6 (MANE Select); coding-DNA position 1212, C replaced by G.
Protein change: p.Asp404Glu; replaces aspartic acid 404 with glutamic acid.
Molecular consequence: missense variant.
Genome position (GRCh38, 1-based): chr10:73,916,481, C>G. VCF-style: chr10-73916481-C-G. GRCh37 (hg19) VCF-style: chr10-75676239-C-G.
Other names: p.Asp404Glu; c.1161C>G, p.Asp387Glu (NM_001145031.3); c.954C>G, p.Asp318Glu (NM_001319191.2); short protein forms D318E, D387E, D404E.
Identifiers: ClinVar variation 3379975 (VCV003379975.2).